The following is an entry in ClinVar:

NM_005219.5(DIAPH1):c.2015G>A (p.Gly672Asp)

Gene: DIAPH1 (diaphanous related formin 1; minus strand). Cytogenetic location: 5q31.3.
Variant type: single nucleotide variant.
Coding change: c.2015G>A on transcript NM_005219.5 (MANE Select); coding-DNA position 2015, G replaced by A.
Protein change: p.Gly672Asp; replaces glycine 672 with aspartic acid.
Molecular consequence: missense variant.
Genome position (GRCh38, 1-based): chr5:141,573,835, C>T on the plus strand (G>A on the coding strand, the complement: DIAPH1 is on the minus strand). VCF-style: chr5-141573835-C-T. GRCh37 (hg19) VCF-style: chr5-140953402-C-T.
Other names: c.1988G>A, p.Gly663Asp (NM_001079812.3); c.2015G>A, p.Gly672Asp (NM_001314007.2); short protein forms G663D, G672D.
Identifiers: ClinVar variation 2922990 (VCV002922990.3), dbSNP rs1288796036, ClinGen allele CA361519129.

ClinVar aggregate classification (germline): Uncertain significance (1 of 4 stars; one submission).

Conditions:
Progressive microcephaly-seizures-cortical blindness-developmental delay syndrome. Also called: Seizures, cortical blindness, and microcephaly syndrome. Identifiers: Orphanet 477814, MedGen C5567650, MONDO:0014714, OMIM 616632.
Autosomal dominant nonsyndromic hearing loss 1. Also called: DEAFNESS, AUTOSOMAL DOMINANT 1, WITH OR WITHOUT THROMBOCYTOPENIA; KONIGSMARK SYNDROME. Identifiers: Orphanet 90635, MedGen C1852282, MONDO:0007424, OMIM 124900.

Submission:

Labcorp Genetics (formerly Invitae), Labcorp
Classification: Uncertain significance for Progressive microcephaly-seizures-cortical blindness-developmental delay syndrome; Autosomal dominant nonsyndromic hearing loss 1. Last evaluated: 2024-02-15. Review status: criteria provided, single submitter. Criteria: Invitae Variant Classification Sherloc (09022015). Collection method: clinical testing. Allele origin: germline.
Comment: This sequence change replaces glycine, which is neutral and non-polar, with aspartic acid, which is acidic and polar, at codon 672 of the DIAPH1 protein (p.Gly672Asp). This variant is not present in population databases (gnomAD no frequency). This variant has not been reported in the literature in individuals affected with DIAPH1-related conditions. Algorithms developed to predict the effect of missense changes on protein structure and function output the following: SIFT: "Not Available"; PolyPhen-2: "Not Available"; Align-GVGD: "Not Available". The aspartic acid amino acid residue is found in multiple mammalian species, which suggests that this missense change does not adversely affect protein function. In summary, the available evidence is currently insufficient to determine the role of this variant in disease. Therefore, it has been classified as a Variant of Uncertain Significance.